The following is an entry in ClinVar:

NM_203475.3(PORCN):c.1289A>G (p.Tyr430Cys)

Gene: PORCN (porcupine O-acyltransferase; plus strand). Cytogenetic location: Xp11.23.
Variant type: single nucleotide variant.
Coding change: c.1289A>G on transcript NM_203475.3 (MANE Select); coding-DNA position 1289, A replaced by G.
Protein change: p.Tyr430Cys; replaces tyrosine 430 with cysteine.
Molecular consequence: missense variant. On other transcripts: non-coding transcript variant (2).
Genome position (GRCh38, 1-based): chrX:48,520,379, A>G. VCF-style: chrX-48520379-A-G. GRCh37 (hg19) VCF-style: chrX-48378767-A-G.
Other names: c.1043A>G, p.Tyr348Cys (NM_001282167.2); c.1613A>G, p.Tyr538Cys (NM_001441333.1); c.1595A>G, p.Tyr532Cys (NM_001441334.1); c.1361A>G, p.Tyr454Cys (NM_001441335.1); c.1448A>G, p.Tyr483Cys (NM_001441336.1); c.1256A>G, p.Tyr419Cys (NM_022825.4); c.1274A>G, p.Tyr425Cys (NM_203473.3); c.1271A>G, p.Tyr424Cys (NM_203474.1); short protein forms Y348C, Y419C, Y424C, Y425C, Y430C, Y454C, Y483C, Y532C.
Identifiers: ClinVar variation 4796488 (VCV004796488.1).

ClinVar aggregate classification (germline): Uncertain significance (1 of 4 stars; one submission).

Conditions:
Syndromic microphthalmia. Also called: Syndromic microphthalmia-anophthalmia-coloboma. Identifiers: Orphanet 202948, MedGen C5679782, MONDO:0016073.

Submission:

Genetics Department, University Hospital of Toulouse
Classification: Uncertain significance for Syndromic microphthalmia. Last evaluated: 2025-10-05. Review status: criteria provided, single submitter. Criteria: ACMG Guidelines, 2015. Collection method: clinical testing. Allele origin: germline. Affected: yes.
Comment: The NM_203475.3:c.1289A>G p.(Tyr430Cys) is a missense variant in PORCN. It was classified as VUS (PM1, PM2, PP3).